The following is an entry in ClinVar:

NM_001258392.3(CLPB):c.646+97A>G

Gene: CLPB (ClpB family mitochondrial disaggregase; minus strand). Cytogenetic location: 11q13.4.
Variant type: single nucleotide variant.
Coding change: c.646+97A>G on transcript NM_001258392.3 (MANE Select); 97 bases into the intron after coding-DNA position 646, A replaced by G.
Molecular consequence: intron variant.
Genome position (GRCh38, 1-based): chr11:72,380,184, T>C on the plus strand (A>G on the coding strand, the complement: CLPB is on the minus strand). VCF-style: chr11-72380184-T-C. GRCh37 (hg19) VCF-style: chr11-72091228-T-C.
Other names: c.559+97A>G (NM_001258393.3); c.646+97A>G (NM_030813.6); c.511+97A>G (NM_001258394.3).
Identifiers: ClinVar variation 676300 (VCV000676300.2), dbSNP rs3741162, ClinGen allele CA224480207.

ClinVar aggregate classification (germline): Benign. Review status: criteria provided, multiple submitters, no conflicts (2 of 4 stars). 2 submissions from 2 submitters: Benign (2). Last evaluated 2018-06-14.

Allele frequency attached by ClinVar (database versions not stated): gnomAD exomes 0.05749; TOPMed 0.07483; gnomAD 0.07598 and 0.07656; 1000 Genomes Project 30x 0.09978; 1000 Genomes Project 0.09984.
gnomAD v4.1: 54,477 of 894,000 alleles (6.1%); highest among the groups gnomAD compares: African/African-American, 13%; 2,122 homozygotes.

Submissions (2):

GeneDx
Classification: Benign. Last evaluated: 2018-06-14. Review status: criteria provided, single submitter. Criteria: GeneDx Variant Classification (06012015). Collection method: clinical testing. Allele origin: germline. Affected: yes.
Comment: This variant is considered likely benign or benign based on one or more of the following criteria: it is a conservative change, it occurs at a poorly conserved position in the protein, it is predicted to be benign by multiple in silico algorithms, and/or has population frequency not consistent with disease.

Breakthrough Genomics
Classification: Benign. Review status: criteria provided, single submitter. Criteria: ACMG Guidelines, 2015. Collection method: not provided. Allele origin: germline. Inheritance: Autosomal recessive inheritance. Affected: yes.